The following is an entry in ClinVar:

NM_000051.4(ATM):c.7687T>A (p.Leu2563Ile)

Genes: ATM (ATM serine/threonine kinase; plus strand), C11orf65 (chromosome 11 open reading frame 65; minus strand). Cytogenetic location: 11q22.3.
Variant type: single nucleotide variant.
Coding change: c.7687T>A on transcript NM_000051.4 (MANE Select); coding-DNA position 7687, T replaced by A.
Protein change: p.Leu2563Ile; replaces leucine 2563 with isoleucine.
Molecular consequence: missense variant. On other transcripts: intron variant (2).
Genome position (GRCh38, 1-based): chr11:108,331,936, T>A. VCF-style: chr11-108331936-T-A. GRCh37 (hg19) VCF-style: chr11-108202663-T-A.
Other names: c.7687T>A, p.Leu2563Ile (NM_001351834.2); c.641-22865A>T (NM_001330368.2); c.*38+3284A>T (NM_001351110.2); short protein forms L2563I.
Identifiers: ClinVar variation 1038236 (VCV001038236.47), dbSNP rs1208002418, ClinGen allele CA382561007.

ClinVar aggregate classification (germline): Uncertain significance (1 of 4 stars; one submission).

Conditions:
Ataxia-telangiectasia syndrome (AT). Also called: Ataxia telangiectasia (A-T); ATAXIA-TELANGIECTASIA, COMPLEMENTATION GROUP A; ATAXIA-TELANGIECTASIA, FRESNO VARIANT; Ataxia-telangiectasia; Ataxia-telangiectasia, complementation group E; LOUIS-BAR SYNDROME. Identifiers: Orphanet 100, MedGen C0004135, MONDO:0008840, OMIM 208900.

Submission:

Labcorp Genetics (formerly Invitae), Labcorp
Classification: Uncertain significance for Ataxia-telangiectasia syndrome. Last evaluated: 2025-10-01. Review status: criteria provided, single submitter. Criteria: Invitae Variant Classification Sherloc (09022015). Collection method: clinical testing. Allele origin: germline.
Comment: This sequence change replaces leucine, which is neutral and non-polar, with isoleucine, which is neutral and non-polar, at codon 2563 of the ATM protein (p.Leu2563Ile). This variant is not present in population databases (gnomAD no frequency). This variant has not been reported in the literature in individuals affected with ATM-related conditions. ClinVar contains an entry for this variant (Variation ID: 1038236). Invitae Evidence Modeling of protein sequence and biophysical properties (such as structural, functional, and spatial information, amino acid conservation, physicochemical variation, residue mobility, and thermodynamic stability) has been performed for this missense variant. However, the output from this modeling did not meet the statistical confidence thresholds required to predict the impact of this variant on ATM protein function. In summary, the available evidence is currently insufficient to determine the role of this variant in disease. Therefore, it has been classified as a Variant of Uncertain Significance.